The following is an entry in ClinVar:

NM_004260.4(RECQL4):c.897del (p.Glu301fs)

Gene: RECQL4 (RecQ like helicase 4; minus strand). Cytogenetic location: 8q24.3.
Variant type: Deletion.
Coding change: c.897del on transcript NM_004260.4 (MANE Select); coding-DNA position 897, one base deleted (A; older notation c.897delA).
Protein change: p.Glu301fs; shifts the reading frame from glutamic acid 301.
Molecular consequence: frameshift variant.
Genome position (GRCh38, 1-based): chr8:144,516,222, T deleted on the plus strand (A on the coding strand, the reverse complement: RECQL4 is on the minus strand). VCF-style (leftmost placement, unchanged base first): chr8-144516221-CT-C. GRCh37 (hg19) VCF-style: chr8-145741605-CT-C.
Other names: short protein forms E301fs.
Identifiers: ClinVar variation 1069662 (VCV001069662.5), dbSNP rs2130720341, ClinGen allele CA2499219196.

ClinVar aggregate classification (germline): Pathogenic (1 of 4 stars; one submission).

Conditions:
Baller-Gerold syndrome (BGS). Also called: CRANIOSYNOSTOSIS WITH RADIAL DEFECTS. Identifiers: Orphanet 1225, MedGen C0265308, MONDO:0009039, OMIM 218600.

Submission:

Labcorp Genetics (formerly Invitae), Labcorp
Classification: Pathogenic for Baller-Gerold syndrome. Last evaluated: 2023-08-28. Review status: criteria provided, single submitter. Criteria: Invitae Variant Classification Sherloc (09022015). Collection method: clinical testing. Allele origin: germline.
Comment: For these reasons, this variant has been classified as Pathogenic. ClinVar contains an entry for this variant (Variation ID: 1069662). This variant has not been reported in the literature in individuals affected with RECQL4-related conditions. This variant is not present in population databases (gnomAD no frequency). This sequence change creates a premature translational stop signal (p.Glu301Asnfs*58) in the RECQL4 gene. It is expected to result in an absent or disrupted protein product. Loss-of-function variants in RECQL4 are known to be pathogenic (PMID: 12734318, 12952869).

Literature cited by the submitters: PubMed 12734318; PubMed 12952869.